The following is an entry in ClinVar:

ClinVar aggregate classification (germline): Uncertain significance (1 of 4 stars; one submission).

Submission:

Women's Health and Genetics/Laboratory Corporation of America, LabCorp
Classification: Uncertain significance. Last evaluated: 2025-09-16. Review status: criteria provided, single submitter. Criteria: LabCorp Variant Classification Summary - May 2015. Collection method: clinical testing. Allele origin: germline.
Comment: Variant summary: HGD c.52G>C (p.Asp18His) results in a non-conservative amino acid change in the encoded protein sequence. Algorithms developed to predict the effect of missense changes on protein structure and function all suggest that this variant is likely to be disruptive. The variant was absent in 251072 control chromosomes. The available data on variant occurrences in the general population are insufficient to allow any conclusion about variant significance. To our knowledge, no occurrence of c.52G>C in individuals affected with HGD-related conditions and no experimental evidence demonstrating its impact on protein function have been reported. No submitters have cited clinical-significance assessments for this variant to ClinVar. Based on the evidence outlined above, the variant was classified as uncertain significance.

NM_000187.4(HGD):c.52G>C (p.Asp18His)

Gene: HGD (homogentisate 1,2-dioxygenase; minus strand). Cytogenetic location: 3q13.33.
Variant type: single nucleotide variant.
Coding change: c.52G>C on transcript NM_000187.4 (MANE Select); coding-DNA position 52, G replaced by C.
Protein change: p.Asp18His; replaces aspartic acid 18 with histidine.
Molecular consequence: missense variant.
Genome position (GRCh38, 1-based): chr3:120,675,827, C>G on the plus strand (G>C on the coding strand, the complement: HGD is on the minus strand). VCF-style: chr3-120675827-C-G. GRCh37 (hg19) VCF-style: chr3-120394674-C-G.
Other names: short protein forms D18H.
Identifiers: ClinVar variation 4536157 (VCV004536157.1).
Genomic context (GRCh38, chr3:120,675,827, plus strand): 5'-TTCTAAGCACTTTATTTGCTCATACCTGTCCTTCTGGCAGGGAACCTGGGCAGCGAGGAT[C>G]CTCTGAAGAACACTCATTCCCAAATCCAGAAATGTACTGTAGGTGACAAAGACACAAATG-3'
Protein context (NP_000178.2, residues 8-28): SGFGNECSSE[Asp18His]PRCPGSLPEG